The following is an entry in ClinVar:

NM_020247.5(COQ8A):c.1942T>C (p.Ter648Gln)

Gene: COQ8A (coenzyme Q8A; plus strand). Cytogenetic location: 1q42.13.
Variant type: single nucleotide variant.
Coding change: c.1942T>C on transcript NM_020247.5 (MANE Select); coding-DNA position 1942, T replaced by C.
Protein change: p.Ter648Gln.
Molecular consequence: stop lost.
Genome position (GRCh38, 1-based): chr1:226,986,735, T>C. VCF-style: chr1-226986735-T-C. GRCh37 (hg19) VCF-style: chr1-227174436-T-C.
Other names: p.*648Glne*t*27.
Identifiers: ClinVar variation 1326771 (VCV001326771.3), dbSNP rs766591347, ClinGen allele CA1425715.
Genomic context (GRCh38, chr1:226,986,735, plus strand): 5'-CCCTGCAAGGCCATGTTCGAGGAGGCCTACAGCAACTACTGCAAGAGGCAGGCCCAGCAG[T>C]AGGGCTGCGGGCCACGCCCAGGCCGGCTCCGCGGGAACTCTCTCCCTCAGACAGGCCAAA-3'

ClinVar aggregate classification (germline): Uncertain significance. Review status: criteria provided, multiple submitters, no conflicts (2 of 4 stars). 2 submissions from 2 submitters: Uncertain significance (2). Last evaluated 2023-12-27.

Submissions (2):

Mayo Clinic Laboratories, Mayo Clinic
Classification: Uncertain significance. Last evaluated: 2023-12-27. Review status: criteria provided, single submitter. Criteria: ACMG Guidelines, 2015. Collection method: clinical testing. Allele origin: germline. Observed: 1 variant allele.
Comment: PM2_moderate, PM4

GeneDx
Classification: Uncertain significance. Last evaluated: 2021-05-26. Review status: criteria provided, single submitter. Criteria: GeneDx Variant Classification Process June 2021. Collection method: clinical testing. Allele origin: germline. Affected: yes.
Comment: Not observed at significant frequency in large population cohorts (Lek et al., 2016); Normal stop codon changed to a Gln codon, leading to the addition of 27 amino acids at the C-terminus; Has not been previously published as pathogenic or benign to our knowledge